The following is an entry in ClinVar:

NM_138387.4(G6PC3):c.731A>G (p.Asp244Gly)

Gene: G6PC3 (glucose-6-phosphatase catalytic subunit 3; plus strand). Cytogenetic location: 17q21.31.
Variant type: single nucleotide variant.
Coding change: c.731A>G on transcript NM_138387.4 (MANE Select); coding-DNA position 731, A replaced by G.
Protein change: p.Asp244Gly; replaces aspartic acid 244 with glycine.
Molecular consequence: missense variant. On other transcripts: 3 prime UTR variant (1).
Genome position (GRCh38, 1-based): chr17:44,075,733, A>G. VCF-style: chr17-44075733-A-G. GRCh37 (hg19) VCF-style: chr17-42153101-A-G.
Other names: c.*24A>G (NM_001319945.2); c.386A>G, p.Asp129Gly (NM_001384165.1, NM_001384166.1, NM_001384167.1 and 1 more transcripts); short protein forms D129G, D244G.
Identifiers: ClinVar variation 1469571 (VCV001469571.8), dbSNP rs2144155135, ClinGen allele CA399729208.

ClinVar aggregate classification (germline): Uncertain significance (1 of 4 stars; one submission).

Conditions:
Autosomal recessive severe congenital neutropenia due to G6PC3 deficiency. Also called: NEUTROPENIA, SEVERE CONGENITAL, 4, AUTOSOMAL RECESSIVE; G6PC3 Deficiency. Identifiers: Orphanet 331176, MedGen C2751630, MONDO:0012930, OMIM 612541.

Submission:

Labcorp Genetics (formerly Invitae), Labcorp
Classification: Uncertain significance for Autosomal recessive severe congenital neutropenia due to G6PC3 deficiency. Last evaluated: 2021-05-04. Review status: criteria provided, single submitter. Criteria: Invitae Variant Classification Sherloc (09022015). Collection method: clinical testing. Allele origin: germline.
Comment: This sequence change replaces aspartic acid with glycine at codon 244 of the G6PC3 protein (p.Asp244Gly). The aspartic acid residue is moderately conserved and there is a moderate physicochemical difference between aspartic acid and glycine. This variant is not present in population databases (ExAC no frequency). This variant has not been reported in the literature in individuals with G6PC3-related conditions. Algorithms developed to predict the effect of missense changes on protein structure and function are either unavailable or do not agree on the potential impact of this missense change (SIFT: "Deleterious"; PolyPhen-2: "Possibly Damaging"; Align-GVGD: "Class C0"). In summary, the available evidence is currently insufficient to determine the role of this variant in disease. Therefore, it has been classified as a Variant of Uncertain Significance.